The following is an entry in ClinVar:

ClinVar aggregate classification (germline): Uncertain significance (1 of 4 stars; one submission).

Conditions:
Hereditary sensory and autonomic neuropathy type 6. Also called: HSAN VI; Neuropathy, hereditary sensory and autonomic, type VI. Identifiers: Orphanet 314381, MedGen C3539003, MONDO:0013839, OMIM 614653.
Epidermolysis bullosa simplex 3, localized or generalized intermediate, with BP230 deficiency (EBS3). Also called: Epidermolysis bullosa simplex, autosomal recessive 2; Epidermolysis bullosa simplex due to BP230 deficiency. Identifiers: Orphanet 412181, MedGen C3809470, MONDO:0014180, OMIM 615425.

Allele frequency attached by ClinVar (database versions not stated): gnomAD exomes 0.00001; TOPMed 0.00002.
gnomAD v4.1: 13 of 1,614,166 alleles (0.00081%); highest among the groups gnomAD compares: Admixed American, 0.0017%; no homozygotes.

Submission:

Labcorp Genetics (formerly Invitae), Labcorp
Classification: Uncertain significance for Epidermolysis bullosa simplex 3, localized or generalized intermediate, with BP230 deficiency; Hereditary sensory and autonomic neuropathy type 6. Last evaluated: 2022-07-19. Review status: criteria provided, single submitter. Criteria: Invitae Variant Classification Sherloc (09022015). Collection method: clinical testing. Allele origin: germline.
Comment: This sequence change replaces proline, which is neutral and non-polar, with serine, which is neutral and polar, at codon 2265 of the DST protein (p.Pro2265Ser). This variant is present in population databases (no rsID available, gnomAD 0.003%). This variant has not been reported in the literature in individuals affected with DST-related conditions. ClinVar contains an entry for this variant (Variation ID: 851700). Algorithms developed to predict the effect of missense changes on protein structure and function (SIFT, PolyPhen-2, Align-GVGD) all suggest that this variant is likely to be tolerated. In summary, the available evidence is currently insufficient to determine the role of this variant in disease. Therefore, it has been classified as a Variant of Uncertain Significance.

NM_001723.7(DST):c.6793C>T (p.Pro2265Ser)

Gene: DST (dystonin; minus strand). Cytogenetic location: 6p12.1.
Variant type: single nucleotide variant.
Coding change: c.6793C>T on transcript NM_001723.7 (MANE Plus Clinical); coding-DNA position 6793, C replaced by T.
Protein change: p.Pro2265Ser; replaces proline 2265 with serine.
Molecular consequence: missense variant. On other transcripts: intron variant (10).
Genome position (GRCh38, 1-based): chr6:56,616,674, G>A on the plus strand (C>T on the coding strand, the complement: DST is on the minus strand). VCF-style: chr6-56616674-G-A. GRCh37 (hg19) VCF-style: chr6-56481472-G-A.
Other names: c.4831-2190C>T (NM_001144769.5); c.4930-2190C>T (NM_001374722.1, NM_001374736.1); c.4957-2190C>T (NM_001374734.1); c.4417-2190C>T (NM_001144770.2); c.4297-2190C>T (NM_001374730.1, NM_001386100.1, NM_183380.4 and 1 more transcripts); c.3319-2190C>T (NM_015548.5); short protein forms P2265S.
Identifiers: ClinVar variation 851700 (VCV000851700.4), dbSNP rs1355330745, ClinGen allele CA364564385.